The following is an entry in ClinVar:

NM_004329.3(BMPR1A):c.822A>C (p.Glu274Asp)

Gene: BMPR1A (bone morphogenetic protein receptor type 1A; plus strand). Cytogenetic location: 10q23.2.
Variant type: single nucleotide variant.
Coding change: c.822A>C on transcript NM_004329.3 (MANE Select); coding-DNA position 822, A replaced by C.
Protein change: p.Glu274Asp; replaces glutamic acid 274 with aspartic acid.
Molecular consequence: missense variant.
Genome position (GRCh38, 1-based): chr10:86,917,280, A>C. VCF-style: chr10-86917280-A-C. GRCh37 (hg19) VCF-style: chr10-88677037-A-C.
Other names: c.897A>C, p.Glu299Asp (NM_001406559.1); c.870A>C, p.Glu290Asp (NM_001406560.1); c.822A>C, p.Glu274Asp (NM_001406561.1, NM_001406562.1, NM_001406563.1 and 19 more transcripts); c.816A>C, p.Glu272Asp (NM_001406583.1); c.738A>C, p.Glu246Asp (NM_001406584.1, NM_001406585.1, NM_001406586.1 and 2 more transcripts); c.480A>C, p.Glu160Asp (NM_001406589.1); short protein forms E274D, E160D, E272D, E299D, E246D, E290D.
Identifiers: ClinVar variation 1762530 (VCV001762530.3), dbSNP rs2539604829, ClinGen allele CA377458463.
Genomic context (GRCh38, chr10:86,917,280, plus strand): 5'-TGGCGAAAAAGTGGCGGTGAAAGTATTCTTTACCACTGAAGAAGCCAGCTGGTTTCGAGA[A>C]ACAGAAATCTACCAAACTGTGCTAATGCGCCATGAAAACATACTTGGTGGGTACACACTG-3'
Protein context (NP_004320.2, residues 264-284): FTTEEASWFR[Glu274Asp]TEIYQTVLMR

ClinVar aggregate classification (germline): Uncertain significance (1 of 4 stars; one submission).

Conditions:
Hereditary cancer-predisposing syndrome. Also called: Neoplastic Syndromes, Hereditary; Tumor predisposition; Hereditary Cancer Syndrome; Hereditary neoplastic syndrome. Identifiers: Orphanet 140162, MedGen C0027672, MeSH D009386, MONDO:0015356.

Submission:

Ambry Genetics
Classification: Uncertain significance for Hereditary cancer-predisposing syndrome. Last evaluated: 2025-02-07. Review status: criteria provided, single submitter. Criteria: Ambry Variant Classification Scheme 2023. Collection method: clinical testing. Allele origin: germline.
Comment: The p.E274D variant (also known as c.822A>C), located in coding exon 7 of the BMPR1A gene, results from an A to C substitution at nucleotide position 822. The glutamic acid at codon 274 is replaced by aspartic acid, an amino acid with highly similar properties. This amino acid position is highly conserved in available vertebrate species. In addition, this alteration is predicted to be deleterious by in silico analysis. Based on the available evidence, the clinical significance of this variant remains unclear.